The following is an entry in ClinVar:

NM_001330.5(CTF1):c.253G>C (p.Glu85Gln)

Genes: CTF1 (cardiotrophin 1; plus strand), LOC130058878 (ATAC-STARR-seq lymphoblastoid silent region 7400; plus strand). Cytogenetic location: 16p11.2.
Variant type: single nucleotide variant.
Coding change: c.253G>C on transcript NM_001330.5 (MANE Select); coding-DNA position 253, G replaced by C.
Protein change: p.Glu85Gln; replaces glutamic acid 85 with glutamine.
Molecular consequence: missense variant. On other transcripts: non-coding transcript variant (1).
Genome position (GRCh38, 1-based): chr16:30,902,186, G>C. VCF-style: chr16-30902186-G-C. GRCh37 (hg19) VCF-style: chr16-30913507-G-C.
Other names: c.253G>C (NM_001330.3); c.250G>C, p.Glu84Gln (NM_001142544.3); short protein forms E84Q, E85Q.
Identifiers: ClinVar variation 1004706 (VCV001004706.10), dbSNP rs1489208133, ClinGen allele CA395618605.

ClinVar aggregate classification (germline): Uncertain significance. Review status: criteria provided, multiple submitters, no conflicts (2 of 4 stars). 2 submissions from 2 submitters: Uncertain significance (2). Last evaluated 2025-08-01.

Allele frequency attached by ClinVar (database versions not stated): gnomAD 0.00001.
gnomAD v4.1: 10 of 1,213,762 alleles (0.00082%); highest among the groups gnomAD compares: African/African-American, 0.0016%; no homozygotes.

Submissions (2):

Ambry Genetics
Classification: Uncertain significance. Last evaluated: 2025-08-01. Review status: criteria provided, single submitter. Criteria: Ambry Variant Classification Scheme 2023. Collection method: clinical testing. Allele origin: germline.

Labcorp Genetics (formerly Invitae), Labcorp
Classification: Uncertain significance. Last evaluated: 2020-08-14. Review status: criteria provided, single submitter. Criteria: Invitae Variant Classification Sherloc (09022015). Collection method: clinical testing. Allele origin: germline.
Comment: In summary, the available evidence is currently insufficient to determine the role of this variant in disease. Therefore, it has been classified as a Variant of Uncertain Significance. Algorithms developed to predict the effect of missense changes on protein structure and function are either unavailable or do not agree on the potential impact of this missense change (SIFT: "Tolerated"; PolyPhen-2: "Probably Damaging"; Align-GVGD: "Class C0"). This variant has not been reported in the literature in individuals with CTF1-related conditions. The frequency data for this variant in the population databases is considered unreliable, as metrics indicate insufficient coverage at this position in the ExAC database. This sequence change replaces glutamic acid with glutamine at codon 85 of the CTF1 protein (p.Glu85Gln). The glutamic acid residue is highly conserved and there is a small physicochemical difference between glutamic acid and glutamine.